The following is an entry in ClinVar:

NM_004863.4(SPTLC2):c.350A>G (p.Asp117Gly)

Gene: SPTLC2 (serine palmitoyltransferase long chain base subunit 2; minus strand). Cytogenetic location: 14q24.3.
Variant type: single nucleotide variant.
Coding change: c.350A>G on transcript NM_004863.4 (MANE Select); coding-DNA position 350, A replaced by G.
Protein change: p.Asp117Gly; replaces aspartic acid 117 with glycine.
Molecular consequence: missense variant.
Genome position (GRCh38, 1-based): chr14:77,579,087, T>C on the plus strand (A>G on the coding strand, the complement: SPTLC2 is on the minus strand). VCF-style: chr14-77579087-T-C. GRCh37 (hg19) VCF-style: chr14-78045430-T-C.
Other names: short protein forms D117G.
Identifiers: ClinVar variation 649472 (VCV000649472.10), dbSNP rs1595002005, ClinGen allele CA390701119.

ClinVar aggregate classification (germline): Uncertain significance (1 of 4 stars; one submission).

Conditions:
Neuropathy, hereditary sensory and autonomic, type 1C. Also called: HSAN IC; HSN IC. Identifiers: Orphanet 36386, MedGen C3150896, MONDO:0013337, OMIM 613640.

Submission:

Labcorp Genetics (formerly Invitae), Labcorp
Classification: Uncertain significance for Neuropathy, hereditary sensory and autonomic, type 1C. Last evaluated: 2022-09-29. Review status: criteria provided, single submitter. Criteria: Invitae Variant Classification Sherloc (09022015). Collection method: clinical testing. Allele origin: germline.
Comment: Algorithms developed to predict the effect of missense changes on protein structure and function (SIFT, PolyPhen-2, Align-GVGD) all suggest that this variant is likely to be tolerated. This sequence change replaces aspartic acid, which is acidic and polar, with glycine, which is neutral and non-polar, at codon 117 of the SPTLC2 protein (p.Asp117Gly). This variant is not present in population databases (gnomAD no frequency). This variant has not been reported in the literature in individuals affected with SPTLC2-related conditions. ClinVar contains an entry for this variant (Variation ID: 649472). Algorithms developed to predict the effect of sequence changes on RNA splicing suggest that this variant may create or strengthen a splice site. In summary, the available evidence is currently insufficient to determine the role of this variant in disease. Therefore, it has been classified as a Variant of Uncertain Significance.